The following is an entry in ClinVar:

NM_001370259.2(MEN1):c.1574C>A (p.Thr525Lys)

Gene: MEN1 (menin 1; minus strand). Cytogenetic location: 11q13.1.
Variant type: single nucleotide variant.
Coding change: c.1574C>A on transcript NM_001370259.2 (MANE Select); coding-DNA position 1574, C replaced by A.
Protein change: p.Thr525Lys; replaces threonine 525 with lysine.
Molecular consequence: missense variant. On other transcripts: non-coding transcript variant (4).
Genome position (GRCh38, 1-based): chr11:64,804,593, G>T on the plus strand (C>A on the coding strand, the complement: MEN1 is on the minus strand). VCF-style: chr11-64804593-G-T. GRCh37 (hg19) VCF-style: chr11-64572065-G-T.
Other names: c.1574C>A, p.Thr525Lys (NM_001370260.2, NM_001370261.2, NM_001407146.1 and 2 more transcripts); c.1469C>A, p.Thr490Lys (NM_001370262.2, NM_001370263.2, NM_001407148.1 and 1 more transcripts); c.1700C>A, p.Thr567Lys (NM_001407142.1, NM_001407143.1, NM_001407144.1 and 1 more transcripts); c.1589C>A, p.Thr530Lys (NM_001407145.1, NM_130802.3, NM_130803.3 and 4 more transcripts); c.1715C>A, p.Thr572Lys (NM_001407150.1); c.1595C>A, p.Thr532Lys (NM_001407151.1); c.1409C>A, p.Thr470Lys (NM_001407152.1); short protein forms T567K, T572K, T525K, T470K, T490K, T530K, T532K.
Identifiers: ClinVar variation 3294207 (VCV003294207.1).

ClinVar aggregate classification (germline): Uncertain significance (1 of 4 stars; one submission).

Conditions:
Hereditary cancer-predisposing syndrome. Also called: Tumor predisposition; Hereditary Cancer Syndrome; Hereditary neoplastic syndrome; Neoplastic Syndromes, Hereditary. Identifiers: Orphanet 140162, MedGen C0027672, MeSH D009386, MONDO:0015356.

Submission:

Ambry Genetics
Classification: Uncertain significance for Hereditary cancer-predisposing syndrome. Last evaluated: 2024-04-11. Review status: criteria provided, single submitter. Criteria: Ambry Variant Classification Scheme 2023. Collection method: clinical testing. Allele origin: germline.
Comment: The p.T525K variant (also known as c.1574C>A), located in coding exon 9 of the MEN1 gene, results from a C to A substitution at nucleotide position 1574. The threonine at codon 525 is replaced by lysine, an amino acid with similar properties. This amino acid position is conserved. In addition, this alteration is predicted to be tolerated by in silico analysis. Based on the available evidence, the clinical significance of this variant remains unclear.